The following is an entry in ClinVar:

NM_024407.5(NDUFS7):c.498G>C (p.Val166=)

Gene: NDUFS7 (NADH:ubiquinone oxidoreductase core subunit S7; plus strand). Cytogenetic location: 19p13.3.
Variant type: single nucleotide variant.
Coding change: c.498G>C on transcript NM_024407.5 (MANE Select); coding-DNA position 498, G replaced by C.
Protein change: p.Val166=; no amino-acid change (valine 166 retained).
Molecular consequence: synonymous variant.
Genome position (GRCh38, 1-based): chr19:1,393,284, G>C. VCF-style: chr19-1393284-G-C. GRCh37 (hg19) VCF-style: chr19-1393283-G-C.
Other names: c.498G>C, p.Val166= (NM_001363602.2).
Identifiers: ClinVar variation 3051720 (VCV003051720.5), dbSNP rs1369462876, ClinGen allele CA402987264.

ClinVar aggregate classification (germline): Likely benign. Review status: criteria provided, multiple submitters, no conflicts (2 of 4 stars). 3 submissions from 3 submitters: Likely benign (2). 1 of the submissions does not count toward it. Last evaluated 2026-04-01.

Conditions:
NDUFS7-related disorder. Also called: NDUFS7-related condition.

Allele frequency attached by ClinVar (database versions not stated): gnomAD 0.00033.

Submissions (3):

CeGaT Center for Human Genetics Tuebingen
Classification: Likely benign. Last evaluated: 2026-04-01. Review status: criteria provided, single submitter. Criteria: CeGaT Center For Human Genetics Tuebingen Variant Classification Criteria Version 2. Collection method: clinical testing. Allele origin: germline. Affected: yes. Observed: 1 variant allele.
Comment: NDUFS7: BP4, BP7

Blueprint Genetics
Classification: Likely benign. Last evaluated: 2024-11-15. Review status: criteria provided, single submitter. Criteria: ACMG Guidelines, 2015. Collection method: clinical testing. Allele origin: germline.

PreventionGenetics, part of Exact Sciences
Classification: Likely benign for NDUFS7-related condition. Last evaluated: 2019-04-26. Review status: no assertion criteria provided. Collection method: clinical testing. Allele origin: germline. Not counted in ClinVar's aggregate classification.
Comment: This variant is classified as likely benign based on ACMG/AMP sequence variant interpretation guidelines (Richards et al. 2015 PMID: 25741868, with internal and published modifications).